The following is an entry in ClinVar:

ClinVar aggregate classification (germline): Benign/Likely benign. Review status: criteria provided, multiple submitters, no conflicts (2 of 4 stars). 2 submissions from 2 submitters: Benign (1); Likely benign (1). Last evaluated 2024-01-29.

Conditions:
Dextro-looped transposition of the great arteries. Also called: Dextrotransposition of the great arteries. Identifiers: Orphanet 860, MedGen C3531771, MONDO:0019443, OMIM 608808, HP:0031348.

Allele frequency attached by ClinVar (database versions not stated): gnomAD exomes 0.00001; ExAC 0.00002; gnomAD 0.00003; TOPMed 0.00005; ESP Exome Variant Server 0.00015; 1000 Genomes Project 30x 0.00016; 1000 Genomes Project 0.00020.
gnomAD v4.1: 22 of 1,614,170 alleles (0.0014%); highest among the groups gnomAD compares: African/African-American, 0.019%; no homozygotes.

Submissions (2):

Labcorp Genetics (formerly Invitae), Labcorp
Classification: Benign for Dextro-looped transposition of the great arteries. Last evaluated: 2024-01-29. Review status: criteria provided, single submitter. Criteria: Invitae Variant Classification Sherloc (09022015). Collection method: clinical testing. Allele origin: germline.

CeGaT Center for Human Genetics Tuebingen
Classification: Likely benign. Last evaluated: 2022-12-01. Review status: criteria provided, single submitter. Criteria: CeGaT Center For Human Genetics Tuebingen Variant Classification Criteria Version 2. Collection method: clinical testing. Allele origin: germline. Affected: yes. Observed: 1 variant allele.
Comment: MED13L: BP4, BP7

NM_015335.5(MED13L):c.3495T>C (p.Ser1165=)

Gene: MED13L (mediator complex subunit 13L; minus strand). Cytogenetic location: 12q24.21.
Variant type: single nucleotide variant.
Coding change: c.3495T>C on transcript NM_015335.5 (MANE Select); coding-DNA position 3495, T replaced by C.
Protein change: p.Ser1165=; no amino-acid change (serine 1165 retained).
Molecular consequence: synonymous variant.
Genome position (GRCh38, 1-based): chr12:115,991,459, A>G on the plus strand (T>C on the coding strand, the complement: MED13L is on the minus strand). VCF-style: chr12-115991459-A-G. GRCh37 (hg19) VCF-style: chr12-116429264-A-G.
Identifiers: ClinVar variation 1946984 (VCV001946984.29), dbSNP rs140397237, ClinGen allele CA6810977.
Genomic context (GRCh38, chr12:115,991,459, plus strand): 5'-ATCCAACTCATCTTCAAGGAAGAGTCCTGAATTGTAGCCAAGTTTGCGGTTCATAATCGC[A>G]CTAAACCCACAGGTACAGCGGTACTGGTCCTCATTGGAAGAATCGGGGATGTAAAGCCCG-3'
Protein context (NP_056150.1, residues 1155-1175): EDQYRCTCGF[Ser1165=]AIMNRKLGYN